The following is an entry in ClinVar:

NM_024529.5(CDC73):c.1155-3A>G

Gene: CDC73 (cell division cycle 73; plus strand). Cytogenetic location: 1q31.2.
Variant type: single nucleotide variant.
Coding change: c.1155-3A>G on transcript NM_024529.5 (MANE Select); 3 bases into the intron before coding-DNA position 1155, A replaced by G.
Molecular consequence: intron variant.
Genome position (GRCh38, 1-based): chr1:193,232,990, A>G. VCF-style: chr1-193232990-A-G. GRCh37 (hg19) VCF-style: chr1-193202120-A-G.
Identifiers: ClinVar variation 403885 (VCV000403885.15), dbSNP rs1060500014, ClinGen allele CA16609982.

ClinVar aggregate classification (germline): Conflicting classifications of pathogenicity. Review status: criteria provided, conflicting classifications (1 of 4 stars). 4 submissions from 4 submitters: Likely pathogenic (2); Uncertain significance (2). Last evaluated 2025-12-22.

Conditions:
Hereditary cancer-predisposing syndrome. Also called: Neoplastic Syndromes, Hereditary; Tumor predisposition; Hereditary Cancer Syndrome; Hereditary neoplastic syndrome. Identifiers: Orphanet 140162, MedGen C0027672, MeSH D009386, MONDO:0015356.
Parathyroid carcinoma (PRTC). Also called: Parathyroid gland carcinoma; CDC73-Related Parathyroid Carcinoma. Identifiers: Orphanet 143, MedGen C0687150, MONDO:0012004, OMIM 608266, HP:0006780.

Allele frequency attached by ClinVar (database versions not stated): gnomAD exomes below 0.00001.
gnomAD v4.1: 1 of 1,612,388 alleles (0.000062%); highest among the groups gnomAD compares: Non-Finnish European, 0.000085%; no homozygotes.

Submissions (4):

Labcorp Genetics (formerly Invitae), Labcorp
Classification: Likely pathogenic for Parathyroid carcinoma. Last evaluated: 2025-12-22. Review status: criteria provided, single submitter. Criteria: Invitae Variant Classification Sherloc (09022015). Collection method: clinical testing. Allele origin: germline.
Comment: This sequence change falls in intron 13 of the CDC73 gene. It does not directly change the encoded amino acid sequence of the CDC73 protein. RNA analysis indicates that this variant induces altered splicing and may result in an absent or altered protein product. This variant is not present in population databases (gnomAD no frequency). This variant has been observed in individual(s) with clinical features of hyperparathyroidism-jaw tumor syndrome (internal data). ClinVar contains an entry for this variant (Variation ID: 403885). Variants that disrupt the consensus splice site are a relatively common cause of aberrant splicing (PMID: 17576681, 9536098). Studies have shown that this variant results in activation of a cryptic splice site, and produces a non-functional protein and/or introduces a premature termination codon (internal data). In summary, the currently available evidence indicates that the variant is pathogenic, but additional data are needed to prove that conclusively. Therefore, this variant has been classified as Likely Pathogenic.

Ambry Genetics
Classification: Likely pathogenic for Hereditary cancer-predisposing syndrome. Last evaluated: 2025-05-14. Review status: criteria provided, single submitter. Criteria: Ambry Variant Classification Scheme 2023. Collection method: clinical testing. Allele origin: germline.
Comment: The c.1155-3A>G intronic variant results from an A to G substitution 3 nucleotides upstream from coding exon 14 in the CDC73 gene. This variant was reported in individual(s) with features consistent with CDC73-related disorders (Needleman L et al. JBMR Plus, 2025 Jan;9:ziae149). This nucleotide position is highly conserved in available vertebrate species. In silico splice site analysis predicts that this alteration will weaken the native splice acceptor site and will result in the creation or strengthening of a novel splice acceptor site, and RNA studies have demonstrated that this alteration results in abnormal splicing (Needleman L et al. JBMR Plus, 2025 Jan;9:ziae149). Based on the majority of available evidence to date, this variant is likely to be pathogenic.

GeneDx
Classification: Uncertain significance. Last evaluated: 2021-12-28. Review status: criteria provided, single submitter. Criteria: GeneDx Variant Classification Process June 2021. Collection method: clinical testing. Allele origin: germline. Affected: yes.
Comment: Not observed at significant frequency in large population cohorts (Lek et al., 2016); Has not been previously published as pathogenic or benign to our knowledge; In silico analysis supports a deleterious effect on splicing

Blueprint Genetics
Classification: Uncertain significance. Last evaluated: 2021-12-08. Review status: criteria provided, single submitter. Criteria: ACMG Guidelines, 2015. Collection method: clinical testing. Allele origin: germline.

Literature cited by the submitters: PubMed 17576681 (cited by Labcorp Genetics (formerly Invitae), Labcorp); PubMed 9536098 (cited by Labcorp Genetics (formerly Invitae), Labcorp); PubMed 39677927 (cited by Ambry Genetics).